The following is an entry in ClinVar:

NM_004655.4(AXIN2):c.2262A>G (p.Ala754=)

Gene: AXIN2 (axin 2; minus strand). Cytogenetic location: 17q24.1.
Variant type: single nucleotide variant.
Coding change: c.2262A>G on transcript NM_004655.4 (MANE Select); coding-DNA position 2262, A replaced by G.
Protein change: p.Ala754=; no amino-acid change (alanine 754 retained).
Molecular consequence: synonymous variant.
Genome position (GRCh38, 1-based): chr17:65,534,055, T>C on the plus strand (A>G on the coding strand, the complement: AXIN2 is on the minus strand). VCF-style: chr17-65534055-T-C. GRCh37 (hg19) VCF-style: chr17-63530173-T-C.
Other names: c.2067A>G, p.Ala689= (NM_001363813.1); c.2262A>G (LRG_296t1).
Identifiers: ClinVar variation 415216 (VCV000415216.10), dbSNP rs1060504485, ClinGen allele CA16615558.

ClinVar aggregate classification (germline): Benign/Likely benign. Review status: criteria provided, multiple submitters, no conflicts (2 of 4 stars). 2 submissions from 2 submitters: Benign (1); Likely benign (1). Last evaluated 2024-07-10.

Conditions:
Oligodontia-cancer predisposition syndrome. Also called: TOOTH AGENESIS-COLORECTAL CANCER SYNDROME. Identifiers: Orphanet 300576, MedGen C1837750, MONDO:0012075, OMIM 608615. Disease mechanism: loss of function.

gnomAD v4.1: 5 of 1,614,256 alleles (0.00031%); highest among the groups gnomAD compares: Non-Finnish European, 0.00042%; no homozygotes.

Submissions (2):

Myriad Genetics, Inc.
Classification: Benign for Oligodontia-cancer predisposition syndrome. Last evaluated: 2024-07-10. Review status: criteria provided, single submitter. Criteria: Myriad Autosomal Dominant, Autosomal Recessive and X-Linked Classification Criteria (2023). Collection method: clinical testing. Allele origin: unknown.
Comment: This variant is considered benign. This variant is a silent/synonymous amino acid change and it is not expected to impact splicing.

Labcorp Genetics (formerly Invitae), Labcorp
Classification: Likely benign for Oligodontia-cancer predisposition syndrome. Last evaluated: 2024-04-10. Review status: criteria provided, single submitter. Criteria: Invitae Variant Classification Sherloc (09022015). Collection method: clinical testing. Allele origin: germline.